The following is an entry in ClinVar:

ClinVar aggregate classification (germline): Uncertain significance (1 of 4 stars; one submission).

Allele frequency attached by ClinVar (database versions not stated): 1000 Genomes Project 30x 0.00016; 1000 Genomes Project 0.00020; ExAC 0.00027; gnomAD exomes 0.00033 and 0.00083; gnomAD 0.00057 and 0.00059; TOPMed 0.00058; ESP Exome Variant Server 0.00069.
gnomAD v4.1: 1,290 of 1,614,154 alleles (0.08%); highest among the groups gnomAD compares: Non-Finnish European, 0.1%; 2 homozygotes.

Submission:

Labcorp Genetics (formerly Invitae), Labcorp
Classification: Uncertain significance. Last evaluated: 2022-10-13. Review status: criteria provided, single submitter. Criteria: Invitae Variant Classification Sherloc (09022015). Collection method: clinical testing. Allele origin: germline.
Comment: This sequence change replaces arginine, which is basic and polar, with tryptophan, which is neutral and slightly polar, at codon 325 of the UNC45A protein (p.Arg325Trp). This variant is present in population databases (rs79580307, gnomAD 0.07%). This variant has not been reported in the literature in individuals affected with UNC45A-related conditions. ClinVar contains an entry for this variant (Variation ID: 1422995). Advanced modeling of protein sequence and biophysical properties (such as structural, functional, and spatial information, amino acid conservation, physicochemical variation, residue mobility, and thermodynamic stability) has been performed at Invitae for this missense variant, however the output from this modeling did not meet the statistical confidence thresholds required to predict the impact of this variant on UNC45A protein function. In summary, the available evidence is currently insufficient to determine the role of this variant in disease. Therefore, it has been classified as a Variant of Uncertain Significance.

NM_018671.5(UNC45A):c.973C>T (p.Arg325Trp)

Gene: UNC45A (unc-45 myosin chaperone A; plus strand). Cytogenetic location: 15q26.1.
Variant type: single nucleotide variant.
Coding change: c.973C>T on transcript NM_018671.5 (MANE Select); coding-DNA position 973, C replaced by T.
Protein change: p.Arg325Trp; replaces arginine 325 with tryptophan.
Molecular consequence: missense variant.
Genome position (GRCh38, 1-based): chr15:90,943,028, C>T. VCF-style: chr15-90943028-C-T. GRCh37 (hg19) VCF-style: chr15-91486258-C-T.
Other names: c.928C>T, p.Arg310Trp (NM_001039675.2, NM_001323621.2); c.973C>T, p.Arg325Trp (NM_001323619.1); c.538C>T, p.Arg180Trp (NM_001323620.2); short protein forms R325W, R180W, R310W.
Identifiers: ClinVar variation 1422995 (VCV001422995.3), dbSNP rs79580307, ClinGen allele CA7742735.